The following is an entry in ClinVar:

ClinVar aggregate classification (germline): Uncertain significance. Review status: criteria provided, multiple submitters, no conflicts (2 of 4 stars). 2 submissions from 2 submitters: Uncertain significance (2). Last evaluated 2024-03-22.

Conditions:
Bartter disease type 3. Also called: Bartter syndrome type 3. Identifiers: Orphanet 112, Orphanet 93605, MedGen C1846343, MONDO:0011822, OMIM 607364.
Bartter disease type 4B. Also called: BARTTER SYNDROME, TYPE 4B, NEONATAL, WITH SENSORINEURAL DEAFNESS; BARTTER SYNDROME, TYPE 4B; Bartter syndrome, type 4b, digenic. Identifiers: Orphanet 112, MedGen C4310805, MONDO:0000909, OMIM 613090.

Allele frequency attached by ClinVar (database versions not stated): ExAC 0.00001; gnomAD exomes 0.00001; gnomAD 0.00003; TOPMed 0.00005; ESP Exome Variant Server 0.00008.
gnomAD v4.1: 13 of 1,614,018 alleles (0.00081%); highest among the groups gnomAD compares: Middle Eastern, 0.016%; no homozygotes.

Submissions (2):

Fulgent Genetics
Classification: Uncertain significance for Bartter disease type 3; Bartter disease type 4B. Last evaluated: 2024-03-22. Review status: criteria provided, single submitter. Criteria: ACMG Guidelines, 2015. Collection method: clinical testing. Allele origin: germline.

Labcorp Genetics (formerly Invitae), Labcorp
Classification: Uncertain significance. Last evaluated: 2022-06-04. Review status: criteria provided, single submitter. Criteria: Invitae Variant Classification Sherloc (09022015). Collection method: clinical testing. Allele origin: germline.
Comment: This variant has not been reported in the literature in individuals affected with CLCNKB-related conditions. In summary, the available evidence is currently insufficient to determine the role of this variant in disease. Therefore, it has been classified as a Variant of Uncertain Significance. Advanced modeling of protein sequence and biophysical properties (such as structural, functional, and spatial information, amino acid conservation, physicochemical variation, residue mobility, and thermodynamic stability) performed at Invitae indicates that this missense variant is not expected to disrupt CLCNKB protein function. This variant is present in population databases (rs373877250, gnomAD 0.01%). This sequence change replaces alanine, which is neutral and non-polar, with valine, which is neutral and non-polar, at codon 329 of the CLCNKB protein (p.Ala329Val).

NM_000085.5(CLCNKB):c.986C>T (p.Ala329Val)

Genes: CLCNKB (chloride voltage-gated channel Kb; plus strand), LOC106501713 (CLCNKB recombination region; plus strand). Cytogenetic location: 1p36.13.
Variant type: single nucleotide variant.
Coding change: c.986C>T on transcript NM_000085.5 (MANE Select); coding-DNA position 986, C replaced by T.
Protein change: p.Ala329Val; replaces alanine 329 with valine.
Molecular consequence: missense variant.
Genome position (GRCh38, 1-based): chr1:16,050,533, C>T. VCF-style: chr1-16050533-C-T. GRCh37 (hg19) VCF-style: chr1-16377028-C-T.
Other names: c.479C>T, p.Ala160Val (NM_001165945.2); short protein forms A160V, A329V.
Identifiers: ClinVar variation 2177675 (VCV002177675.5), dbSNP rs373877250, ClinGen allele CA623655.